The following is an entry in ClinVar:

NM_001134657.1(PRR23C):c.439G>T (p.Glu147Ter)

Gene: PRR23C (proline rich 23C; minus strand). Cytogenetic location: 3q23.
Variant type: single nucleotide variant.
Coding change: c.439G>T on transcript NM_001134657.1 (MANE Select); coding-DNA position 439, G replaced by T.
Protein change: p.Glu147Ter; replaces glutamic acid 147 with a stop codon.
Molecular consequence: nonsense.
Genome position (GRCh38, 1-based): chr3:139,044,182, C>A on the plus strand (G>T on the coding strand, the complement: PRR23C is on the minus strand). VCF-style: chr3-139044182-C-A. GRCh37 (hg19) VCF-style: chr3-138763024-C-A.
Other names: short protein forms E147*.
Identifiers: ClinVar variation 4687132 (VCV004687132.1).

ClinVar aggregate classification (germline): Benign (1 of 4 stars; one submission).

gnomAD v4.1: 153 of 1,613,462 alleles (0.0095%); highest among the groups gnomAD compares: East Asian, 0.33%; no homozygotes.

Submission:

Women's Health and Genetics/Laboratory Corporation of America, LabCorp
Classification: Benign. Last evaluated: 2025-10-21. Review status: criteria provided, single submitter. Criteria: LabCorp Variant Classification Summary - May 2015. Collection method: clinical testing. Allele origin: germline.
Comment: Variant summary: PRR23C c.439G>T (p.Glu147X) results in a premature termination codon, predicted to cause a truncation of the encoded protein or absence of the protein due to nonsense mediated decay, however current evidence is not sufficient to establish loss of function as a mechanism for disease. The variant allele was found at a frequency of 0.00022 in 248494 control chromosomes, predominantly at a frequency of 0.0029 within the East Asian subpopulation in the gnomAD database. The observed variant frequency within East Asian control individuals in the gnomAD database exceeds the estimated maximal expected allele frequency for disease-causing variants in PRR23C. To our knowledge, no occurrence of c.439G>T in individuals affected with PRR23C-related conditions and no experimental evidence demonstrating its impact on protein function have been reported. No submitters have cited clinical-significance assessments for this variant to ClinVar. Based on the evidence outlined above, the variant was classified as benign.